The following is an entry in ClinVar:

NM_153266.4(TMEM151A):c.20G>A (p.Gly7Asp)

Gene: TMEM151A (transmembrane protein 151A; plus strand). Cytogenetic location: 11q13.2.
Variant type: single nucleotide variant.
Coding change: c.20G>A on transcript NM_153266.4 (MANE Select); coding-DNA position 20, G replaced by A.
Protein change: p.Gly7Asp; replaces glycine 7 with aspartic acid.
Molecular consequence: missense variant.
Genome position (GRCh38, 1-based): chr11:66,292,033, G>A. VCF-style: chr11-66292033-G-A. GRCh37 (hg19) VCF-style: chr11-66059504-G-A.
Other names: short protein forms G7D.
Identifiers: ClinVar variation 3038520 (VCV003038520.7), dbSNP rs552250699, ClinGen allele CA6118516.

ClinVar aggregate classification (germline): Likely benign. Review status: criteria provided, single submitter (1 of 4 stars). 2 submissions from 2 submitters: Likely benign (1). 1 of the submissions does not count toward it. Last evaluated 2025-12-01.

Conditions:
TMEM151A-related disorder. Also called: TMEM151A-related condition.

Allele frequency attached by ClinVar (database versions not stated): 1000 Genomes Project 0.00020; 1000 Genomes Project 30x 0.00078; ExAC 0.00088; gnomAD 0.00117; TOPMed 0.00118; gnomAD exomes 0.00189.
gnomAD v4.1: 2,698 of 1,501,756 alleles (0.18%); highest among the groups gnomAD compares: Non-Finnish European, 0.22%; 6 homozygotes.

Submissions (2):

CeGaT Center for Human Genetics Tuebingen
Classification: Likely benign. Last evaluated: 2025-12-01. Review status: criteria provided, single submitter. Criteria: CeGaT Center For Human Genetics Tuebingen Variant Classification Criteria Version 2. Collection method: clinical testing. Allele origin: germline. Affected: yes. Observed: 1 variant allele.
Comment: TMEM151A: BS1

PreventionGenetics, part of Exact Sciences
Classification: Likely benign for TMEM151A-related condition. Last evaluated: 2023-04-27. Review status: no assertion criteria provided. Collection method: clinical testing. Allele origin: germline. Not counted in ClinVar's aggregate classification.
Comment: This variant is classified as likely benign based on ACMG/AMP sequence variant interpretation guidelines (Richards et al. 2015 PMID: 25741868, with internal and published modifications).